The following is an entry in ClinVar:

NM_174936.4(PCSK9):c.1030C>T (p.Gln344Ter)

Gene: PCSK9 (proprotein convertase subtilisin/kexin type 9; plus strand). Cytogenetic location: 1p32.3.
Variant type: single nucleotide variant.
Coding change: c.1030C>T on transcript NM_174936.4 (MANE Select); coding-DNA position 1030, C replaced by T.
Protein change: p.Gln344Ter; replaces glutamine 344 with a stop codon.
Molecular consequence: nonsense.
Genome position (GRCh38, 1-based): chr1:55,057,364, C>T. VCF-style: chr1-55057364-C-T. GRCh37 (hg19) VCF-style: chr1-55523037-C-T.
Other names: c.1153C>T, p.Gln385Ter (NM_001407240.1); c.1030C>T, p.Gln344Ter (NM_001407241.1, NM_001407244.1, NM_001407247.1); c.1033C>T, p.Gln345Ter (NM_001407242.1); c.973C>T, p.Gln325Ter (NM_001407243.1); c.838C>T, p.Gln280Ter (NM_001407245.1); c.655C>T, p.Gln219Ter (NM_001407246.1); short protein forms Q344*, Q219*, Q325*, Q345*, Q385*, Q280*.
Identifiers: ClinVar variation 631545 (VCV000631545.11), dbSNP rs72646513, ClinGen allele CA034732.

ClinVar aggregate classification (germline): Conflicting classifications of pathogenicity. Review status: criteria provided, conflicting classifications (1 of 4 stars). 3 submissions from 3 submitters: Uncertain significance (1); Likely benign (2). Last evaluated 2023-10-23.

Conditions:
Hypercholesterolemia, autosomal dominant, 3 (FHCL3). Also called: Familial Hypercholesterolemia, Autosomal Dominant, 3; PCSK9-Related Familial Hypercholesterolemia, Autosomal Dominant; Familial hypercholesterolemia 3. Identifiers: MedGen C1863551, MONDO:0011369, OMIM 603776.
Familial hypercholesterolemia. Also called: Familial hypercholesterolemias; Familial hypercholesterolaemia. Identifiers: MedGen C0020445, MONDO:0005439.

Allele frequency attached by ClinVar (database versions not stated): TOPMed below 0.00001; ExAC 0.00001.
gnomAD v4.1: 15 of 1,613,996 alleles (0.00093%); highest among the groups gnomAD compares: Non-Finnish European, 0.0013%; no homozygotes.

Submissions (3):

All of Us Research Program, National Institutes of Health
Classification: Likely benign for Hypercholesterolemia, autosomal dominant, 3. Last evaluated: 2023-10-23. Review status: criteria provided, single submitter. Criteria: ACMG Guidelines, 2015. Collection method: clinical testing. Allele origin: germline. Inheritance: Autosomal dominant inheritance. Observed: 1 variant allele, 1 heterozygote.
Comment: This study involves interpretation of variants in research participants for the purpose of population health screening. Participant phenotype was not available at the time of variant classification. Additional details can be found in publication PMID: 35346344, PMCID: PMC8962531

Labcorp Genetics (formerly Invitae), Labcorp
Classification: Uncertain significance for Hypercholesterolemia, autosomal dominant, 3. Last evaluated: 2022-12-26. Review status: criteria provided, single submitter. Criteria: Invitae Variant Classification Sherloc (09022015). Collection method: clinical testing. Allele origin: germline.
Comment: This sequence change creates a premature translational stop signal (p.Gln344*) in the PCSK9 gene. It is expected to result in an absent or disrupted protein product. However, the current clinical and genetic evidence is not sufficient to establish whether loss-of-function variants in PCSK9 cause disease. In summary, the available evidence is currently insufficient to determine the role of this variant in disease. Therefore, it has been classified as a Variant of Uncertain Significance. ClinVar contains an entry for this variant (Variation ID: 631545). This variant has not been reported in the literature in individuals affected with PCSK9-related conditions. This variant is present in population databases (rs72646513, gnomAD 0.002%).

Color Diagnostics, LLC DBA Color Health
Classification: Likely benign for Familial hypercholesterolemia. Last evaluated: 2020-01-16. Review status: criteria provided, single submitter. Criteria: ACMG Guidelines, 2015. Collection method: clinical testing. Allele origin: germline.